The following is an entry in ClinVar:

NM_024675.4(PALB2):c.53A>G (p.Lys18Arg)

Gene: PALB2 (partner and localizer of BRCA2; minus strand). Cytogenetic location: 16p12.2.
Variant type: single nucleotide variant.
Coding change: c.53A>G on transcript NM_024675.4 (MANE Select); coding-DNA position 53, A replaced by G.
Protein change: p.Lys18Arg; replaces lysine 18 with arginine.
Molecular consequence: missense variant.
Genome position (GRCh38, 1-based): chr16:23,638,125, T>C on the plus strand (A>G on the coding strand, the complement: PALB2 is on the minus strand). VCF-style: chr16-23638125-T-C. GRCh37 (hg19) VCF-style: chr16-23649446-T-C.
Other names: p.K18R:AAG>AGG; NP_078951.2:p.Lys18Arg; short protein forms K18R.
Identifiers: ClinVar variation 126758 (VCV000126758.78), dbSNP rs138789658, ClinGen allele CA161315.

ClinVar aggregate classification (germline): Conflicting classifications of pathogenicity. Review status: criteria provided, conflicting classifications (1 of 4 stars). 26 submissions from 26 submitters: Uncertain significance (1); Benign (12); Likely benign (5). 8 of the submissions do not count toward it. Last evaluated 2026-07-01.

Conditions:
Hereditary cancer-predisposing syndrome. Also called: Neoplastic Syndromes, Hereditary; Hereditary Cancer Syndrome; Tumor predisposition; Hereditary neoplastic syndrome. Identifiers: Orphanet 140162, MedGen C0027672, MeSH D009386, MONDO:0015356.
Hereditary breast ovarian cancer syndrome. Also called: Hereditary breast and ovarian cancer syndrome; Breast and ovarian cancer; BRCA1- and BRCA2-Associated Hereditary Breast and Ovarian Cancer; Hereditary breast and ovarian cancer; Hereditary breast and ovarian cancer syndrome (HBOC); Hereditary breast and/or ovarian cancer syndrome. Identifiers: Orphanet 145, MedGen C0677776, MeSH D061325, MONDO:0003582. Disease mechanism: loss of function.
Familial cancer of breast. Also called: hereditary breast carcinoma; BREAST CANCER, FAMILIAL; Hereditary breast cancer. Identifiers: Orphanet 227535, MedGen C0346153, MONDO:0016419, OMIM 114480. Disease mechanism: loss of function.
Fanconi anemia complementation group N. Also called: PALB2-Related Fanconi Anemia. Identifiers: Orphanet 84, MedGen C1835817, MONDO:0012565, OMIM 610832. Disease mechanism: loss of function.

Allele frequency attached by ClinVar (database versions not stated): gnomAD exomes 0.00046 and 0.00142; ExAC 0.00176; gnomAD 0.00492 and 0.00530; 1000 Genomes Project 0.00519; ESP Exome Variant Server 0.00523; TOPMed 0.00546; 1000 Genomes Project 30x 0.00547.
gnomAD v4.1: 1,486 of 1,613,708 alleles (0.092%); highest among the groups gnomAD compares: African/African-American, 1.6%; 7 homozygotes.

Submissions 1 to 22 of 31:

CeGaT Center for Human Genetics Tuebingen
Classification: Likely benign. Last evaluated: 2026-07-01. Review status: criteria provided, single submitter. Criteria: CeGaT Center For Human Genetics Tuebingen Variant Classification Criteria Version 2. Collection method: clinical testing. Allele origin: germline. Affected: yes. Observed: 6 variant alleles.
Comment: PALB2: BS1

Labcorp Genetics (formerly Invitae), Labcorp
Classification: Benign for Familial cancer of breast. Last evaluated: 2026-02-04. Review status: criteria provided, single submitter. Criteria: Invitae Variant Classification Sherloc (09022015). Collection method: clinical testing. Allele origin: germline.

Center for Genomic Medicine, Rigshospitalet, Copenhagen University Hospital
Classification: Benign. Last evaluated: 2025-03-04. Review status: criteria provided, single submitter. Criteria: ACMG Guidelines, 2015. Collection method: clinical testing. Allele origin: germline.

Myriad Genetics, Inc.
Classification: Benign for Familial cancer of breast. Last evaluated: 2025-01-09. Review status: criteria provided, single submitter. Criteria: Myriad Autosomal Dominant, Autosomal Recessive and X-Linked Classification Criteria (2023). Collection method: clinical testing. Allele origin: unknown.
Comment: This variant is considered benign. This variant has been observed at a population frequency that is significantly greater than expected given the associated disease prevalence and penetrance.

Blueprint Genetics
Classification: Likely benign. Last evaluated: 2024-11-26. Review status: criteria provided, single submitter. Criteria: ACMG Guidelines, 2015. Collection method: clinical testing. Allele origin: germline.

National Health Laboratory Service, Universitas Academic Hospital and University of the Free State
Classification: Benign for Hereditary breast ovarian cancer syndrome. Last evaluated: 2022-04-19. Review status: criteria provided, single submitter. Criteria: ACMG Guidelines, 2015. Collection method: clinical testing. Allele origin: germline. Affected: yes. Observed: 7 variant alleles.

Sema4
Classification: Benign for Hereditary cancer-predisposing syndrome. Last evaluated: 2020-07-07. Review status: criteria provided, single submitter. Criteria: Sema4 Curation Guidelines. Collection method: curation. Allele origin: germline.

ARUP Laboratories, Molecular Genetics and Genomics, ARUP Laboratories
Classification: Benign. Last evaluated: 2020-04-27. Review status: criteria provided, single submitter. Criteria: ARUP Molecular Germline Variant Investigation Process. Collection method: clinical testing. Allele origin: germline.

Genetic Services Laboratory, University of Chicago
Classification: Benign. Last evaluated: 2019-07-14. Review status: criteria provided, single submitter. Criteria: ACMG Guidelines, 2015. Collection method: clinical testing. Allele origin: germline. Affected: no.

Eurofins Ntd Llc (ga)
Classification: Likely benign. Last evaluated: 2018-03-04. Review status: criteria provided, single submitter. Criteria: EGL ClinVar v180209 classification definitions. Collection method: clinical testing. Allele origin: germline. Observed: 2 variant alleles, 2 heterozygotes.

Institute for Biomarker Research, Medical Diagnostic Laboratories, L.L.C.
Classification: Likely benign for Hereditary cancer-predisposing syndrome. Last evaluated: 2017-07-12. Review status: criteria provided, single submitter. Criteria: ACMG Guidelines, 2015. Collection method: clinical testing. Allele origin: germline.

Illumina Laboratory Services, Illumina
Classification: Likely benign for Fanconi anemia complementation group N. Last evaluated: 2017-04-27. Review status: criteria provided, single submitter. Criteria: ICSL Variant Classification Criteria 13 December 2019. Collection method: clinical testing. Allele origin: germline.
Comment: This variant was observed as part of a predisposition screen in an ostensibly healthy population. A literature search was performed for the gene, cDNA change, and amino acid change (where applicable). No publications were found based on this search. Allele frequency data from public databases allowed determination this variant is unlikely to cause disease. Therefore, this variant is classified as likely benign.

Center for Pediatric Genomic Medicine, Children's Mercy Hospital and Clinics
Classification: Benign. Last evaluated: 2017-01-05. Review status: criteria provided, single submitter. Criteria: ACMG Guidelines, 2015. Collection method: clinical testing. Allele origin: germline.

PreventionGenetics, part of Exact Sciences
Classification: Benign. Last evaluated: 2016-11-22. Review status: criteria provided, single submitter. Criteria: ACMG Guidelines, 2015. Collection method: clinical testing. Allele origin: germline.

Cancer Genetics Laboratory, Peter MacCallum Cancer Centre
Classification: Uncertain significance for Familial cancer of breast. Last evaluated: 2015-06-01. Review status: criteria provided, single submitter. Criteria: Thompson et al. (Breast Cancer Res. 2015). Collection method: case-control. Allele origin: germline. Affected: no. Observed: 1 variant allele, 1 heterozygote.

Color Diagnostics, LLC DBA Color Health
Classification: Benign for Hereditary cancer-predisposing syndrome. Last evaluated: 2015-01-20. Review status: criteria provided, single submitter. Criteria: ACMG Guidelines, 2015. Collection method: clinical testing. Allele origin: germline.

Ambry Genetics
Classification: Benign for Hereditary cancer-predisposing syndrome. Last evaluated: 2014-11-25. Review status: criteria provided, single submitter. Criteria: Ambry Variant Classification Scheme 2023. Collection method: clinical testing. Allele origin: germline.

GeneDx
Classification: Benign. Last evaluated: 2014-01-15. Review status: criteria provided, single submitter. Criteria: GeneDx Variant Classification (06012015). Collection method: clinical testing. Allele origin: germline. Affected: yes.
Comment: This variant is considered likely benign or benign based on one or more of the following criteria: it is a conservative change, it occurs at a poorly conserved position in the protein, it is predicted to be benign by multiple in silico algorithms, and/or has population frequency not consistent with disease.

Leiden Open Variation Database
Classification: Likely benign. Last evaluated: 2019-05-13. Review status: no assertion criteria provided. Collection method: curation. Allele origin: germline. Affected: yes. Not counted in ClinVar's aggregate classification.
Comment: Curators: Marc Tischkowitz, Arleen D. Auerbach. Submitters to LOVD: Marc Tischkowitz, Melissa DeRycke.

Pathway Genomics
Classification: Benign for Breast carcinoma. Last evaluated: 2014-11-06. Review status: no assertion criteria provided. Collection method: clinical testing. Allele origin: germline. Not counted in ClinVar's aggregate classification.

ITMI
No classification provided. Condition: AllHighlyPenetrant. Last evaluated: 2013-09-19. Review status: no classification provided. Collection method: reference population. Allele origin: germline. Not counted in ClinVar's aggregate classification.
Comment: Please see associated publication for description of ethnicities

Clinical Genetics Laboratory, Department of Pathology, Netherlands Cancer Institute
Classification: Benign. Review status: no assertion criteria provided. Collection method: clinical testing. Allele origin: germline. Affected: yes. Study: VKGL Data-share Consensus. Not counted in ClinVar's aggregate classification.